The following is an entry in ClinVar:

NM_207037.2(TCF12):c.2077del (p.His693fs)

Gene: TCF12 (transcription factor 12; plus strand). Cytogenetic location: 15q21.3.
Variant type: Deletion.
Coding change: c.2077del on transcript NM_207037.2 (MANE Select); coding-DNA position 2077, one base deleted (C; older notation c.2077delC).
Protein change: p.His693fs; shifts the reading frame from histidine 693.
Molecular consequence: frameshift variant.
Genome position (GRCh38, 1-based): chr15:57,282,543, C deleted; the last of 3 consecutive C bases (chr15:57,282,541-57,282,543); deleting any one gives the same sequence. VCF-style (leftmost placement, unchanged base first): chr15-57282540-AC-A. GRCh37 (hg19) VCF-style: chr15-57574738-AC-A.
Other names: c.1567del, p.His523fs (NM_001306219.3); c.1297del, p.His433fs (NM_001306220.3); c.2077del, p.His693fs (NM_001322151.2, NM_001322159.3, NM_001322162.2 and 1 more transcripts); c.2074del, p.His692fs (NM_001322152.2, NM_001322161.2); c.1420del, p.His474fs (NM_001322154.2); c.1903del, p.His635fs (NM_001322156.2); c.2005del, p.His669fs (NM_001322157.3, NM_001322165.2, NM_003205.4 and 1 more transcripts); c.1831del, p.His611fs (NM_001322158.2); and 2 more; short protein forms H433fs, H474fs, H499fs, H523fs, H611fs, H635fs, H669fs, H681fs.
Identifiers: ClinVar variation 3392592 (VCV003392592.2).

ClinVar aggregate classification (germline): Uncertain significance (1 of 4 stars; one submission).

Submission:

GeneDx
Classification: Uncertain significance. Last evaluated: 2025-11-09. Review status: criteria provided, single submitter. Criteria: GeneDx Variant Classification Process June 2021. Collection method: clinical testing. Allele origin: germline.
Comment: Not observed at significant frequency in large population cohorts (gnomAD); Frameshift variant predicted to result in abnormal protein length as the last 14 amino acid(s) are replaced with 25 different amino acid(s); Has not been previously published as pathogenic or benign to our knowledge; This variant is associated with the following publications: (PMID: 24077912)